The following is an entry in ClinVar:

NM_139321.3(ATRN):c.1999G>T (p.Val667Leu)

Gene: ATRN (attractin; plus strand). Cytogenetic location: 20p13.
Variant type: single nucleotide variant.
Coding change: c.1999G>T on transcript NM_139321.3 (MANE Select); coding-DNA position 1999, G replaced by T.
Protein change: p.Val667Leu; replaces valine 667 with leucine.
Molecular consequence: missense variant.
Genome position (GRCh38, 1-based): chr20:3,572,858, G>T. VCF-style: chr20-3572858-G-T. GRCh37 (hg19) VCF-style: chr20-3553505-G-T.
Other names: c.1651G>T, p.Val551Leu (NM_001207047.3); c.1999G>T, p.Val667Leu (NM_001323332.2, NM_139322.4); short protein forms V667L, V551L.
Identifiers: ClinVar variation 1942846 (VCV001942846.5), dbSNP rs1171559478, ClinGen allele CA408092985.

ClinVar aggregate classification (germline): Uncertain significance (1 of 4 stars; one submission).

Allele frequency attached by ClinVar (database versions not stated): gnomAD 0.00001; TOPMed 0.00001.
gnomAD v4.1: 2 of 1,613,810 alleles (0.00012%); highest among the groups gnomAD compares: Admixed American, 0.0033%; no homozygotes.

Submission:

Labcorp Genetics (formerly Invitae), Labcorp
Classification: Uncertain significance. Last evaluated: 2024-12-09. Review status: criteria provided, single submitter. Criteria: Invitae Variant Classification Sherloc (09022015). Collection method: clinical testing. Allele origin: germline.
Comment: This sequence change replaces valine, which is neutral and non-polar, with leucine, which is neutral and non-polar, at codon 667 of the ATRN protein (p.Val667Leu). This variant is present in population databases (no rsID available, gnomAD 0.1%). This variant has not been reported in the literature in individuals affected with ATRN-related conditions. ClinVar contains an entry for this variant (Variation ID: 1942846). An algorithm developed to predict the effect of missense changes on protein structure and function outputs the following: PolyPhen-2: "Benign". The leucine amino acid residue is found in multiple mammalian species, which suggests that this missense change does not adversely affect protein function. In summary, the available evidence is currently insufficient to determine the role of this variant in disease. Therefore, it has been classified as a Variant of Uncertain Significance.